The following is an entry in ClinVar:

ClinVar aggregate classification (germline): Uncertain significance (1 of 4 stars; one submission).

Conditions:
Familial sleep-related hypermotor epilepsy. Also called: Autosomal Dominant Sleep-Related Hypermotor (Hyperkinetic) Epilepsy. Identifiers: Orphanet 98784, MedGen C3696898, MONDO:0000030.

Submission:

Labcorp Genetics (formerly Invitae), Labcorp
Classification: Uncertain significance. Last evaluated: 2024-11-07. Review status: criteria provided, single submitter. Criteria: Invitae Variant Classification Sherloc (09022015). Collection method: clinical testing. Allele origin: germline.
Comment: This sequence change replaces alanine, which is neutral and non-polar, with glycine, which is neutral and non-polar, at codon 236 of the CHRNA2 protein (p.Ala236Gly). This variant is not present in population databases (gnomAD no frequency). This variant has not been reported in the literature in individuals affected with CHRNA2-related conditions. Invitae Evidence Modeling of protein sequence and biophysical properties (such as structural, functional, and spatial information, amino acid conservation, physicochemical variation, residue mobility, and thermodynamic stability) indicates that this missense variant is expected to disrupt CHRNA2 protein function with a positive predictive value of 80%. In summary, the available evidence is currently insufficient to determine the role of this variant in disease. Therefore, it has been classified as a Variant of Uncertain Significance.

NM_000742.4(CHRNA2):c.707C>G (p.Ala236Gly)

Gene: CHRNA2 (cholinergic receptor nicotinic alpha 2 subunit; minus strand). Cytogenetic location: 8p21.2.
Variant type: single nucleotide variant.
Coding change: c.707C>G on transcript NM_000742.4 (MANE Select); coding-DNA position 707, C replaced by G.
Protein change: p.Ala236Gly; replaces alanine 236 with glycine.
Molecular consequence: missense variant.
Genome position (GRCh38, 1-based): chr8:27,463,736, G>C on the plus strand (C>G on the coding strand, the complement: CHRNA2 is on the minus strand). VCF-style: chr8-27463736-G-C. GRCh37 (hg19) VCF-style: chr8-27321253-G-C.
Other names: c.662C>G, p.Ala221Gly (NM_001282455.2); c.230C>G, p.Ala77Gly (NM_001347705.2, NM_001347706.2); c.113C>G, p.Ala38Gly (NM_001347707.2, NM_001347708.2); short protein forms A236G, A77G, A221G, A38G.
Identifiers: ClinVar variation 3687776 (VCV003687776.2).